The following is an entry in ClinVar:

ClinVar aggregate classification (germline): Uncertain significance (1 of 4 stars; one submission).

Submission:

GeneDx
Classification: Uncertain significance. Last evaluated: 2017-05-03. Review status: criteria provided, single submitter. Criteria: GeneDx Variant Classification (06012015). Collection method: clinical testing. Allele origin: germline. Affected: yes.
Comment: A variant of uncertain significance has been identified in the PRX gene. The c.2282_2284delCGA variant has not been published as a pathogenic variant, nor has it been reported as a benign variant to our knowledge. The c.2282_2284delCGA variant is not observed in large population cohorts (Lek et al., 2016; 1000 Genomes Consortium et al., 2015; Exome Variant Server). The c.2282_2284delCGA variant results in an in-frame deletion of a Proline and Lysine residue and the insertion of Glutamine residue, denoted p.Pro761_Lys762delinsGln. However, this variant occurs in a region that is not conserved. Therefore, based on the currently available information, it is unclear whether this variant is a pathogenic variant or a rare benign variant.

NM_181882.3(PRX):c.2282_2284del (p.Pro761_Lys762delinsGln)

Gene: PRX (periaxin; minus strand). Cytogenetic location: 19q13.2.
Variant type: Deletion.
Coding change: c.2282_2284del on transcript NM_181882.3 (MANE Select); coding-DNA positions 2282 to 2284, 3 bases deleted (CGA; older notation c.2282_2284delCGA).
Protein change: p.Pro761_Lys762delinsGln.
Molecular consequence: inframe indel. On other transcripts: 3 prime UTR variant (1).
Genome position (GRCh38, 1-based): chr19:40,396,068-40,396,070, TCG deleted on the plus strand (CGA on the coding strand, the reverse complement: PRX is on the minus strand). VCF-style (leftmost placement, unchanged base first): chr19-40396067-TTCG-T. GRCh37 (hg19) VCF-style: chr19-40901974-TTCG-T.
Other names: c.*2487_*2489del (NM_020956.2); c.2282_2284delCGA (NM_181882.2).
Identifiers: ClinVar variation 429513 (VCV000429513.2), dbSNP rs1131691425, ClinGen allele CA645369783.